The following is an entry in ClinVar:

NM_000264.5(PTCH1):c.2258T>C (p.Val753Ala)

Genes: PTCH1 (patched 1; minus strand), LOC100507346 (uncharacterized LOC100507346; plus strand). Cytogenetic location: 9q22.32.
Variant type: single nucleotide variant.
Coding change: c.2258T>C on transcript NM_000264.5 (MANE Select); coding-DNA position 2258, T replaced by C.
Protein change: p.Val753Ala; replaces valine 753 with alanine.
Molecular consequence: missense variant. On other transcripts: non-coding transcript variant (1).
Genome position (GRCh38, 1-based): chr9:95,467,418, A>G on the plus strand (T>C on the coding strand, the complement: PTCH1 is on the minus strand). VCF-style: chr9-95467418-A-G. GRCh37 (hg19) VCF-style: chr9-98229700-A-G.
Other names: c.2060T>C, p.Val687Ala (NM_001083602.3); c.2255T>C, p.Val752Ala (NM_001083603.3); c.1805T>C, p.Val602Ala (NM_001083604.3, NM_001083605.3, NM_001083606.3 and 1 more transcripts); c.2102T>C, p.Val701Ala (NM_001354918.2); c.2258T>C (NM_000264.4); short protein forms V687A, V701A, V602A, V752A, V753A.
Identifiers: ClinVar variation 1037838 (VCV001037838.9), dbSNP rs1840114511, ClinGen allele CA374114757.

ClinVar aggregate classification (germline): Uncertain significance. Review status: criteria provided, multiple submitters, no conflicts (2 of 4 stars). 2 submissions from 2 submitters: Uncertain significance (2). Last evaluated 2025-09-10.

Conditions:
Gorlin syndrome. Also called: Basal cell nevus syndrome; Nevoid Basal Cell Carcinoma Syndrome. Identifiers: Orphanet 377, MedGen C0004779, MONDO:0007187.

Submissions (2):

Quest Diagnostics Nichols Institute San Juan Capistrano
Classification: Uncertain significance. Last evaluated: 2025-09-10. Review status: criteria provided, single submitter. Criteria: Quest Diagnostics criteria. Collection method: clinical testing. Allele origin: unknown.
Comment: The PTCH1 c.2258T>C (p.Val753Ala) variant has not been reported in individuals with PTCH1-related conditions in the published literature. This variant has not been reported in large, multi-ethnic general populations (Genome Aggregation Database). Analysis of this variant using bioinformatics tools for the prediction of the effect of amino acid changes on protein structure and function yielded predictions that this variant is damaging. Based on the available information, we are unable to determine the clinical significance of this variant.

Labcorp Genetics (formerly Invitae), Labcorp
Classification: Uncertain significance for Gorlin syndrome. Last evaluated: 2022-07-05. Review status: criteria provided, single submitter. Criteria: Invitae Variant Classification Sherloc (09022015). Collection method: clinical testing. Allele origin: germline.
Comment: This variant has not been reported in the literature in individuals affected with PTCH1-related conditions. ClinVar contains an entry for this variant (Variation ID: 1037838). Advanced modeling of protein sequence and biophysical properties (such as structural, functional, and spatial information, amino acid conservation, physicochemical variation, residue mobility, and thermodynamic stability) performed at Invitae indicates that this missense variant is not expected to disrupt PTCH1 protein function. Algorithms developed to predict the effect of sequence changes on RNA splicing suggest that this variant may disrupt the consensus splice site. In summary, the available evidence is currently insufficient to determine the role of this variant in disease. Therefore, it has been classified as a Variant of Uncertain Significance. This variant is not present in population databases (gnomAD no frequency). This sequence change replaces valine, which is neutral and non-polar, with alanine, which is neutral and non-polar, at codon 753 of the PTCH1 protein (p.Val753Ala).